The following is an entry in ClinVar:

ClinVar aggregate classification (germline): Uncertain significance. Review status: criteria provided, multiple submitters, no conflicts (2 of 4 stars). 2 submissions from 2 submitters: Uncertain significance (2). Last evaluated 2022-05-02.

Conditions:
Familial idiopathic hypercalciuria (HCA2). Also called: Hypercalciuria, absorptive, 2; Hypercalciuria, absorptive, susceptibility to. Identifiers: MedGen C0342639, MONDO:0007748, OMIM 143870.

Allele frequency attached by ClinVar (database versions not stated): gnomAD exomes 0.00001; TOPMed 0.00001.
gnomAD v4.1: 5 of 1,550,356 alleles (0.00032%); highest among the groups gnomAD compares: Non-Finnish European, 0.00045%; no homozygotes.

Submissions (2):

Fulgent Genetics
Classification: Uncertain significance for Familial idiopathic hypercalciuria. Last evaluated: 2022-05-02. Review status: criteria provided, single submitter. Criteria: ACMG Guidelines, 2015. Collection method: clinical testing. Allele origin: unknown.

Labcorp Genetics (formerly Invitae), Labcorp
Classification: Uncertain significance. Last evaluated: 2020-05-08. Review status: criteria provided, single submitter. Criteria: Invitae Variant Classification Sherloc (09022015). Collection method: clinical testing. Allele origin: germline.
Comment: This variant is not present in population databases (ExAC no frequency). This sequence change replaces phenylalanine with valine at codon 1391 of the ADCY10 protein (p.Phe1391Val). The phenylalanine residue is highly conserved and there is a small physicochemical difference between phenylalanine and valine. This variant has not been reported in the literature in individuals with ADCY10-related conditions. In summary, the available evidence is currently insufficient to determine the role of this variant in disease. Therefore, it has been classified as a Variant of Uncertain Significance. Algorithms developed to predict the effect of missense changes on protein structure and function are either unavailable or do not agree on the potential impact of this missense change (SIFT: "Deleterious"; PolyPhen-2: "Possibly Damaging"; Align-GVGD: "Class C0").

NM_018417.6(ADCY10):c.4171T>G (p.Phe1391Val)

Gene: ADCY10 (adenylate cyclase 10; minus strand). Cytogenetic location: 1q24.2.
Variant type: single nucleotide variant.
Coding change: c.4171T>G on transcript NM_018417.6 (MANE Select); coding-DNA position 4171, T replaced by G.
Protein change: p.Phe1391Val; replaces phenylalanine 1391 with valine.
Molecular consequence: missense variant.
Genome position (GRCh38, 1-based): chr1:167,822,139, A>C on the plus strand (T>G on the coding strand, the complement: ADCY10 is on the minus strand). VCF-style: chr1-167822139-A-C. GRCh37 (hg19) VCF-style: chr1-167791377-A-C.
Other names: c.3712T>G, p.Phe1238Val (NM_001167749.3); c.3895T>G, p.Phe1299Val (NM_001297772.2); short protein forms F1299V, F1391V, F1238V.
Identifiers: ClinVar variation 1044489 (VCV001044489.6), dbSNP rs1662951098, ClinGen allele CA343096874.
Genomic context (GRCh38, chr1:167,822,139, plus strand): 5'-TTCTGTTGTTTTCGTATTGGTGTATGAATTCCAAACATTCTTCAAATGTTCTATAAACAA[A>C]ACCTAAGAGAGAGAGGAATGGGTGAGAGTTATTAGTAGGTGTGGGTGATCATCTTTCTAG-3'
Protein context (NP_060887.2, residues 1381-1401): VCLDILLYSG[Phe1391Val]VYRTFEECLE